The following is an entry in ClinVar:

NM_006059.4(LAMC3):c.3507C>T (p.Thr1169=)

Gene: LAMC3 (laminin subunit gamma 3; plus strand). Cytogenetic location: 9q34.12.
Variant type: single nucleotide variant.
Coding change: c.3507C>T on transcript NM_006059.4 (MANE Select); coding-DNA position 3507, C replaced by T.
Protein change: p.Thr1169=; no amino-acid change (threonine 1169 retained).
Molecular consequence: synonymous variant.
Genome position (GRCh38, 1-based): chr9:131,075,843, C>T. VCF-style: chr9-131075843-C-T. GRCh37 (hg19) VCF-style: chr9-133951230-C-T.
Identifiers: ClinVar variation 129462 (VCV000129462.16), dbSNP rs3818800, ClinGen allele CA153492.

ClinVar aggregate classification (germline): Benign. Review status: criteria provided, multiple submitters, no conflicts (2 of 4 stars). 4 submissions from 4 submitters: Benign (3). 1 of the submissions does not count toward it. Last evaluated 2026-02-03.

Allele frequency attached by ClinVar (database versions not stated): gnomAD 0.14367 and 0.14515; ESP Exome Variant Server 0.14755; TOPMed 0.15188; 1000 Genomes Project 0.18191; 1000 Genomes Project 30x 0.18863.
gnomAD v4.1: 137,578 of 1,610,632 alleles (8.5%); highest among the groups gnomAD compares: African/African-American, 32%; 8,760 homozygotes.

Submissions (4):

Labcorp Genetics (formerly Invitae), Labcorp
Classification: Benign. Last evaluated: 2026-02-03. Review status: criteria provided, single submitter. Criteria: Invitae Variant Classification Sherloc (09022015). Collection method: clinical testing. Allele origin: germline.

GeneDx
Classification: Benign. Last evaluated: 2015-03-03. Review status: criteria provided, single submitter. Criteria: GeneDx Variant Classification Process June 2021. Collection method: clinical testing. Allele origin: germline. Affected: yes.

Breakthrough Genomics
Classification: Benign. Review status: criteria provided, single submitter. Criteria: ACMG Guidelines, 2015. Collection method: not provided. Allele origin: germline. Inheritance: Autosomal recessive inheritance. Affected: yes.

Genetic Services Laboratory, University of Chicago
Classification: Likely benign for AllHighlyPenetrant. Review status: no assertion criteria provided. Collection method: clinical testing. Allele origin: germline. Inheritance: X-linked inheritance. Not counted in ClinVar's aggregate classification.
Comment: Likely benign based on allele frequency in 1000 Genomes Project or ESP global frequency and its presence in a patient with a rare or unrelated disease phenotype. NOT Sanger confirmed.